The following is an entry in ClinVar:

NM_001267550.2(TTN):c.79597G>T (p.Glu26533Ter)

Genes: TTN (titin; minus strand), TTN-AS1 (TTN antisense RNA 1; plus strand). Cytogenetic location: 2q31.2.
Variant type: single nucleotide variant.
Coding change: c.79597G>T on transcript NM_001267550.2 (MANE Select); coding-DNA position 79597, G replaced by T.
Protein change: p.Glu26533Ter; replaces glutamic acid 26533 with a stop codon.
Molecular consequence: nonsense.
Genome position (GRCh38, 1-based): chr2:178,566,535, C>A on the plus strand (G>T on the coding strand, the complement: TTN is on the minus strand). VCF-style: chr2-178566535-C-A. GRCh37 (hg19) VCF-style: chr2-179431262-C-A.
Other names: c.74674G>T, p.Glu24892Ter (NM_001256850.1); c.52402G>T, p.Glu17468Ter (NM_003319.4); c.71893G>T, p.Glu23965Ter (NM_133378.4); c.52777G>T, p.Glu17593Ter (NM_133432.3); c.52978G>T, p.Glu17660Ter (NM_133437.4); short protein forms E17468*, E17593*, E17660*, E23965*, E24892*, E26533*.
Identifiers: ClinVar variation 3757444 (VCV003757444.2).

ClinVar aggregate classification (germline): Likely pathogenic (1 of 4 stars; one submission).

Conditions:
Dilated cardiomyopathy 1G (CMD1G). Identifiers: Orphanet 154, MedGen C1858763, MONDO:0011400, OMIM 604145.
Autosomal recessive limb-girdle muscular dystrophy type 2J (LGMDR10). Also called: Limb-girdle muscular dystrophy, type 2J; MUSCULAR DYSTROPHY, LIMB-GIRDLE, AUTOSOMAL RECESSIVE 10. Identifiers: Orphanet 140922, MedGen C1837342, MONDO:0012127, OMIM 608807.

Submission:

Labcorp Genetics (formerly Invitae), Labcorp
Classification: Likely pathogenic for Dilated cardiomyopathy 1G; Autosomal recessive limb-girdle muscular dystrophy type 2J. Last evaluated: 2024-07-30. Review status: criteria provided, single submitter. Criteria: Invitae Variant Classification Sherloc (09022015). Collection method: clinical testing. Allele origin: germline.
Comment: This sequence change creates a premature translational stop signal (p.Glu26533*) in the TTN gene. While this is not anticipated to result in nonsense mediated decay, it is expected to create a truncated TTN protein. This variant is not present in population databases (gnomAD no frequency). This variant has not been reported in the literature in individuals affected with TTN-related conditions. This variant is located in the A band of TTN (PMID: 25589632). Truncating variants in this region are significantly overrepresented in patients affected with dilated cardiomyopathy (PMID: 25589632). Truncating variants in this region have also been reported in individuals affected with autosomal recessive centronuclear myopathy (PMID: 23975875). In summary, the currently available evidence indicates that the variant is pathogenic, but additional data are needed to prove that conclusively. Therefore, this variant has been classified as Likely Pathogenic.

Literature cited by the submitters: PubMed 25589632; PubMed 23975875.